The following is an entry in ClinVar:

NM_000091.5(COL4A3):c.222G>T (p.Pro74=)

Genes: COL4A3 (collagen type IV alpha 3 chain; plus strand), MFF-DT (MFF divergent transcript; minus strand). Cytogenetic location: 2q36.3.
Variant type: single nucleotide variant.
Coding change: c.222G>T on transcript NM_000091.5 (MANE Select); coding-DNA position 222, G replaced by T.
Protein change: p.Pro74=; no amino-acid change (proline 74 retained).
Molecular consequence: synonymous variant.
Genome position (GRCh38, 1-based): chr2:227,240,220, G>T. VCF-style: chr2-227240220-G-T. GRCh37 (hg19) VCF-style: chr2-228104936-G-T.
Identifiers: ClinVar variation 254986 (VCV000254986.63), dbSNP rs187950806, ClinGen allele CA2145945.

ClinVar aggregate classification (germline): Benign/Likely benign. Review status: criteria provided, multiple submitters, no conflicts (2 of 4 stars). 12 submissions from 12 submitters: Benign (3); Likely benign (4). 5 of the submissions do not count toward it. Last evaluated 2026-06-01.

Conditions:
COL4A3-related disorder. Also called: COL4A3-Related Disorders; COL4A3-related condition.
Alport syndrome. Also called: Hemorrhagic familial nephritis; Hemorrhagic hereditary nephritis; Congenital hereditary hematuria. Identifiers: Orphanet 63, MedGen C1567741, MONDO:0018965.

Allele frequency attached by ClinVar (database versions not stated): 1000 Genomes Project 0.00040; 1000 Genomes Project 30x 0.00094; gnomAD 0.00096; ESP Exome Variant Server 0.00124; TOPMed 0.00148.
gnomAD v4.1: 2,288 of 1,609,860 alleles (0.14%); highest among the groups gnomAD compares: Middle Eastern, 1.4%; 9 homozygotes.

Submissions (12):

CeGaT Center for Human Genetics Tuebingen
Classification: Likely benign. Last evaluated: 2026-06-01. Review status: criteria provided, single submitter. Criteria: CeGaT Center For Human Genetics Tuebingen Variant Classification Criteria Version 2. Collection method: clinical testing. Allele origin: germline. Affected: yes. Observed: 6 variant alleles.
Comment: COL4A3: BP4, BP7

Labcorp Genetics (formerly Invitae), Labcorp
Classification: Benign. Last evaluated: 2026-02-02. Review status: criteria provided, single submitter. Criteria: Invitae Variant Classification Sherloc (09022015). Collection method: clinical testing. Allele origin: germline.

Blueprint Genetics
Classification: Likely benign. Last evaluated: 2024-11-18. Review status: criteria provided, single submitter. Criteria: ACMG Guidelines, 2015. Collection method: clinical testing. Allele origin: germline.

GeneDx
Classification: Benign. Last evaluated: 2019-07-03. Review status: criteria provided, single submitter. Criteria: GeneDx Variant Classification Process June 2021. Collection method: clinical testing. Allele origin: germline. Affected: yes.
Comment: This variant is associated with the following publications: (PMID: 17216251, 14582039)

Athena Diagnostics
Classification: Benign. Last evaluated: 2018-11-14. Review status: criteria provided, single submitter. Criteria: Athena Diagnostics Criteria. Collection method: clinical testing. Allele origin: germline.

Illumina Laboratory Services, Illumina
Classification: Likely benign for Alport syndrome. Last evaluated: 2017-04-27. Review status: criteria provided, single submitter. Criteria: ICSL Variant Classification Criteria 13 December 2019. Collection method: clinical testing. Allele origin: germline.
Comment: This variant was observed as part of a predisposition screen in an ostensibly healthy population. A literature search was performed for the gene, cDNA change, and amino acid change (where applicable). Publications were found based on this search. The evidence from the literature, in combination with allele frequency data from public databases where available, was sufficient to determine this variant is unlikely to cause disease. Therefore, this variant is classified as likely benign.

Breakthrough Genomics
Classification: Likely benign. Review status: criteria provided, single submitter. Criteria: ACMG Guidelines, 2015. Collection method: not provided. Allele origin: germline. Inheritance: Autosomal recessive inheritance. Affected: yes.

PreventionGenetics, part of Exact Sciences
Classification: Benign for COL4A3-related condition. Last evaluated: 2021-05-20. Review status: no assertion criteria provided. Collection method: clinical testing. Allele origin: germline. Not counted in ClinVar's aggregate classification.
Comment: This variant is classified as benign based on ACMG/AMP sequence variant interpretation guidelines (Richards et al. 2015 PMID: 25741868, with internal and published modifications).

Natera, Inc.
Classification: Benign for Alport syndrome. Last evaluated: 2019-12-03. Review status: no assertion criteria provided. Collection method: clinical testing. Allele origin: germline. Not counted in ClinVar's aggregate classification.

Clinical Genetics DNA and cytogenetics Diagnostics Lab, Erasmus MC, Erasmus Medical Center
Classification: Likely benign. Review status: no assertion criteria provided. Collection method: clinical testing. Allele origin: germline. Affected: yes. Study: VKGL Data-share Consensus. Not counted in ClinVar's aggregate classification.

Genome Diagnostics Laboratory, University Medical Center Utrecht
Classification: Likely benign. Review status: no assertion criteria provided. Collection method: clinical testing. Allele origin: germline. Affected: yes. Study: VKGL Data-share Consensus. Not counted in ClinVar's aggregate classification.

Joint Genome Diagnostic Labs from Nijmegen and Maastricht, Radboudumc and MUMC+
Classification: Benign. Review status: no assertion criteria provided. Collection method: clinical testing. Allele origin: germline. Affected: yes. Study: VKGL Data-share Consensus. Not counted in ClinVar's aggregate classification.

Literature cited by the submitters: PubMed 14582039 (cited by Athena Diagnostics and Illumina Laboratory Services, Illumina); PubMed 17216251 (cited by Athena Diagnostics and Illumina Laboratory Services, Illumina); PubMed 15880327 (cited by Athena Diagnostics).